The following is an entry in ClinVar:

ClinVar aggregate classification (germline): Uncertain significance. Review status: criteria provided, multiple submitters, no conflicts (2 of 4 stars). 2 submissions from 2 submitters: Uncertain significance (2). Last evaluated 2026-10-15.

Allele frequency attached by ClinVar (database versions not stated): gnomAD exomes 0.00002; ExAC 0.00003; TOPMed 0.00003; gnomAD 0.00002.
gnomAD v4.1: 54 of 1,597,316 alleles (0.0034%); highest among the groups gnomAD compares: East Asian, 0.0046%; no homozygotes.

Submissions (2):

GeneDx
Classification: Uncertain significance. Last evaluated: 2026-10-15. Review status: criteria provided, single submitter. Criteria: GeneDx Variant Classification Process June 2021. Collection method: clinical testing. Allele origin: germline.
Comment: Not observed at significant frequency in large population cohorts (gnomAD); In silico analysis supports that this missense variant has a deleterious effect on protein structure/function; Has not been previously published as pathogenic or benign to our knowledge; In silico analysis suggests this variant may impact gene splicing. In the absence of RNA/functional studies, the actual effect of this sequence change is unknown.

Labcorp Genetics (formerly Invitae), Labcorp
Classification: Uncertain significance. Last evaluated: 2022-06-14. Review status: criteria provided, single submitter. Criteria: Invitae Variant Classification Sherloc (09022015). Collection method: clinical testing. Allele origin: germline.
Comment: This sequence change replaces glycine, which is neutral and non-polar, with arginine, which is basic and polar, at codon 405 of the FLAD1 protein (p.Gly405Arg). This variant is present in population databases (rs754788619, gnomAD 0.006%). This variant has not been reported in the literature in individuals affected with FLAD1-related conditions. Algorithms developed to predict the effect of missense changes on protein structure and function (SIFT, PolyPhen-2, Align-GVGD) all suggest that this variant is likely to be disruptive. Algorithms developed to predict the effect of sequence changes on RNA splicing suggest that this variant may create or strengthen a splice site. In summary, the available evidence is currently insufficient to determine the role of this variant in disease. Therefore, it has been classified as a Variant of Uncertain Significance.

NM_025207.5(FLAD1):c.1213G>A (p.Gly405Arg)

Gene: FLAD1 (flavin adenine dinucleotide synthetase 1; plus strand). Cytogenetic location: 1q21.3.
Variant type: single nucleotide variant.
Coding change: c.1213G>A on transcript NM_025207.5 (MANE Select); coding-DNA position 1213, G replaced by A.
Protein change: p.Gly405Arg; replaces glycine 405 with arginine.
Molecular consequence: missense variant.
Genome position (GRCh38, 1-based): chr1:154,989,655, G>A. VCF-style: chr1-154989655-G-A. GRCh37 (hg19) VCF-style: chr1-154962131-G-A.
Other names: c.922G>A, p.Gly308Arg (NM_001184891.2, NM_201398.3); c.1213G>A (NM_025207.4); short protein forms G308R, G405R.
Identifiers: ClinVar variation 1492185 (VCV001492185.6), dbSNP rs754788619, ClinGen allele CA1134506.